The following is an entry in ClinVar:

NM_015570.4(AUTS2):c.3597del (p.Thr1200fs)

Gene: AUTS2 (activator of transcription and developmental regulator AUTS2; plus strand). Cytogenetic location: 7q11.22.
Variant type: Deletion.
Coding change: c.3597del on transcript NM_015570.4 (MANE Select); coding-DNA position 3597, one base deleted (C; older notation c.3597delC).
Protein change: p.Thr1200fs; shifts the reading frame from threonine 1200.
Molecular consequence: frameshift variant.
Genome position (GRCh38, 1-based): chr7:70,790,813, C deleted; the last of 4 consecutive C bases (chr7:70,790,810-70,790,813); deleting any one gives the same sequence. VCF-style (leftmost placement, unchanged base first): chr7-70790809-GC-G. GRCh37 (hg19) VCF-style: chr7-70255795-GC-G.
Other names: c.3525del, p.Thr1176fs (NM_001127231.3); short protein forms T1176fs, T1200fs.
Identifiers: ClinVar variation 4531032 (VCV004531032.1).
Genomic context (GRCh38, chr7:70,790,809, plus strand): 5'-ACCTCCCCCACCCCAGCCTCATCACCCCGGGACTCCCCAGCATGCACTATCCCCGCATCA[GC>G]CCCACCGCGGGCAACCAGAACGGACTCCTCAACAAGACCCCTCCGACAGCAGCGCTGAGC-3'

ClinVar aggregate classification (germline): Uncertain significance (1 of 4 stars; one submission).

Submission:

GeneDx
Classification: Uncertain significance. Last evaluated: 2025-05-22. Review status: criteria provided, single submitter. Criteria: GeneDx Variant Classification Process June 2021. Collection method: clinical testing. Allele origin: germline. Affected: yes.
Comment: Not observed at significant frequency in large population cohorts (gnomAD); Frameshift variant predicted to result in abnormal protein length as the last 60 amino acid(s) are replaced with 17 different amino acid(s); Has not been previously published as pathogenic or benign to our knowledge